The following is an entry in ClinVar:

ClinVar aggregate classification (germline): Uncertain significance. Review status: criteria provided, multiple submitters, no conflicts (2 of 4 stars). 3 submissions from 3 submitters: Uncertain significance (3). Last evaluated 2025-06-23.

Conditions:
Familial thoracic aortic aneurysm and aortic dissection (TAAD). Also called: Thoracic aortic aneurysms and dissections. Identifiers: Orphanet 91387, MedGen C4707243, MONDO:0019625.
Congenital contractural arachnodactyly (CCA). Also called: BEALS SYNDROME; Beals-Hecht syndrome; Arthrogryposis, distal, type 9. Identifiers: Orphanet 115, MedGen C0220668, MONDO:0007363, OMIM 121050.

Allele frequency attached by ClinVar (database versions not stated): TOPMed 0.00001.
gnomAD v4.1: 6 of 1,613,718 alleles (0.00037%); highest among the groups gnomAD compares: Non-Finnish European, 0.00051%; no homozygotes.

Submissions (3):

Ambry Genetics
Classification: Uncertain significance for Familial thoracic aortic aneurysm and aortic dissection. Last evaluated: 2025-06-23. Review status: criteria provided, single submitter. Criteria: Ambry Variant Classification Scheme 2023. Collection method: clinical testing. Allele origin: germline.
Comment: The p.K2528Q variant (also known as c.7582A>C), located in coding exon 59 of the FBN2 gene, results from an A to C substitution at nucleotide position 7582. The lysine at codon 2528 is replaced by glutamine, an amino acid with similar properties. This amino acid position is highly conserved in available vertebrate species. In addition, the in silico prediction for this alteration is inconclusive. Based on the available evidence, the clinical significance of this variant remains unclear.

Labcorp Genetics (formerly Invitae), Labcorp
Classification: Uncertain significance for Congenital contractural arachnodactyly. Last evaluated: 2025-02-19. Review status: criteria provided, single submitter. Criteria: Invitae Variant Classification Sherloc (09022015). Collection method: clinical testing. Allele origin: germline.
Comment: This sequence change replaces lysine, which is basic and polar, with glutamine, which is neutral and polar, at codon 2528 of the FBN2 protein (p.Lys2528Gln). This variant is not present in population databases (gnomAD no frequency). This variant has not been reported in the literature in individuals affected with FBN2-related conditions. ClinVar contains an entry for this variant (Variation ID: 904610). Invitae Evidence Modeling of protein sequence and biophysical properties (such as structural, functional, and spatial information, amino acid conservation, physicochemical variation, residue mobility, and thermodynamic stability) indicates that this missense variant is not expected to disrupt FBN2 protein function with a negative predictive value of 80%. In summary, the available evidence is currently insufficient to determine the role of this variant in disease. Therefore, it has been classified as a Variant of Uncertain Significance.

Illumina Laboratory Services, Illumina
Classification: Uncertain significance for Congenital contractural arachnodactyly. Last evaluated: 2018-01-13. Review status: criteria provided, single submitter. Criteria: ICSL Variant Classification Criteria 13 December 2019. Collection method: clinical testing. Allele origin: germline.

NM_001999.4(FBN2):c.7582A>C (p.Lys2528Gln)

Gene: FBN2 (fibrillin 2; minus strand). Cytogenetic location: 5q23.3.
Variant type: single nucleotide variant.
Coding change: c.7582A>C on transcript NM_001999.4 (MANE Select); coding-DNA position 7582, A replaced by C.
Protein change: p.Lys2528Gln; replaces lysine 2528 with glutamine.
Molecular consequence: missense variant.
Genome position (GRCh38, 1-based): chr5:128,276,050, T>G on the plus strand (A>C on the coding strand, the complement: FBN2 is on the minus strand). VCF-style: chr5-128276050-T-G. GRCh37 (hg19) VCF-style: chr5-127611742-T-G.
Other names: short protein forms K2528Q.
Identifiers: ClinVar variation 904610 (VCV000904610.14), dbSNP rs894902794, ClinGen allele CA360753699.
Genomic context (GRCh38, chr5:128,276,050, plus strand): 5'-AGAAAAGATACAGACTAGGGTCACGATTGTCAGAGACTCTTCACTCACCTTTGCATGTCT[T>G]TCCATCCTCTTGCAGGACATACCCCCTCGGACATGAACACTGATAACTCCCCTCAGTGTT-3'
Protein context (NP_001990.2, residues 2518-2538): PRGYVLQEDG[Lys2528Gln]TCKDLDECQT